The following is an entry in ClinVar:

ClinVar aggregate classification (germline): Uncertain significance (1 of 4 stars; one submission).

Conditions:
Lethal multiple pterygium syndrome (LMPS). Identifiers: Orphanet 33108, MedGen C1854678, MONDO:0009668, OMIM 253290.

Submission:

Labcorp Genetics (formerly Invitae), Labcorp
Classification: Uncertain significance for Lethal multiple pterygium syndrome. Last evaluated: 2023-08-14. Review status: criteria provided, single submitter. Criteria: Invitae Variant Classification Sherloc (09022015). Collection method: clinical testing. Allele origin: germline.
Comment: This sequence change replaces alanine, which is neutral and non-polar, with threonine, which is neutral and polar, at codon 423 of the CHRNA1 protein (p.Ala423Thr). This variant is not present in population databases (gnomAD no frequency). This variant has not been reported in the literature in individuals affected with CHRNA1-related conditions. Advanced modeling of protein sequence and biophysical properties (such as structural, functional, and spatial information, amino acid conservation, physicochemical variation, residue mobility, and thermodynamic stability) performed at Invitae indicates that this missense variant is not expected to disrupt CHRNA1 protein function. In summary, the available evidence is currently insufficient to determine the role of this variant in disease. Therefore, it has been classified as a Variant of Uncertain Significance.

NM_000079.4(CHRNA1):c.1267G>A (p.Ala423Thr)

Gene: CHRNA1 (cholinergic receptor nicotinic alpha 1 subunit; minus strand). Cytogenetic location: 2q31.1.
Variant type: single nucleotide variant.
Coding change: c.1267G>A on transcript NM_000079.4 (MANE Select); coding-DNA position 1267, G replaced by A.
Protein change: p.Ala423Thr; replaces alanine 423 with threonine.
Molecular consequence: missense variant.
Genome position (GRCh38, 1-based): chr2:174,748,231, C>T on the plus strand (G>A on the coding strand, the complement: CHRNA1 is on the minus strand). VCF-style: chr2-174748231-C-T. GRCh37 (hg19) VCF-style: chr2-175612959-C-T.
Other names: c.1342G>A, p.Ala448Thr (NM_001039523.3); short protein forms A423T, A448T.
Identifiers: ClinVar variation 2859967 (VCV002859967.3), dbSNP rs2468885921, ClinGen allele CA349333748.